The following is an entry in ClinVar:

NM_015272.5(RPGRIP1L):c.3548C>G (p.Ala1183Gly)

Gene: RPGRIP1L (RPGRIP1 like; minus strand). Cytogenetic location: 16q12.2.
Variant type: single nucleotide variant.
Coding change: c.3548C>G on transcript NM_015272.5 (MANE Select); coding-DNA position 3548, C replaced by G.
Protein change: p.Ala1183Gly; replaces alanine 1183 with glycine.
Molecular consequence: missense variant.
Genome position (GRCh38, 1-based): chr16:53,619,093, G>C on the plus strand (C>G on the coding strand, the complement: RPGRIP1L is on the minus strand). VCF-style: chr16-53619093-G-C. GRCh37 (hg19) VCF-style: chr16-53653005-G-C.
Other names: p.A1183G:GCT>GGT; c.3308C>G, p.Ala1103Gly (NM_001127897.4); c.3410C>G, p.Ala1137Gly (NM_001308334.3); c.3446C>G, p.Ala1149Gly (NM_001330538.2); c.3548C>G (NM_015272.4); short protein forms A1103G, A1183G, A1149G, A1137G.
Identifiers: ClinVar variation 95693 (VCV000095693.57), dbSNP rs139974543, ClinGen allele CA148760.

ClinVar aggregate classification (germline): Benign/Likely benign. Review status: criteria provided, multiple submitters, no conflicts (2 of 4 stars). 16 submissions from 14 submitters: Benign (7); Likely benign (6). 3 of the submissions do not count toward it. Last evaluated 2026-06-01.

Conditions:
Joubert syndrome. Also called: Familial aplasia of the vermis; JOUBERT-BOLTSHAUSER SYNDROME. Identifiers: Orphanet 475, MedGen C5979921, MONDO:0018772.
Meckel-Gruber syndrome. Also called: Dysencephalia splachnocystica; DYSENCEPHALIA SPLANCHNOCYSTICA; GRUBER SYNDROME. Identifiers: Orphanet 564, MedGen C0265215, MONDO:0018921.
Meckel syndrome, type 5 (MKS5). Identifiers: Orphanet 564, MedGen C1969052, MONDO:0012695, OMIM 611561.
Nephronophthisis 8. Identifiers: MedGen CN119610.
Joubert syndrome 7 (JBTS7). Identifiers: Orphanet 220497, MedGen C1969053, MONDO:0012694, OMIM 611560.

Allele frequency attached by ClinVar (database versions not stated): gnomAD 0.00830 and 0.00854; gnomAD exomes 0.00968 and 0.01181; 1000 Genomes Project 30x 0.00328; 1000 Genomes Project 0.00359; ESP Exome Variant Server 0.01093; TOPMed 0.00832; ExAC 0.01035.
gnomAD v4.1: 18,470 of 1,613,978 alleles (1.1%); highest among the groups gnomAD compares: Non-Finnish European, 1.4%; 123 homozygotes.

Submissions (28):

CeGaT Center for Human Genetics Tuebingen
Classification: Benign. Last evaluated: 2026-06-01. Review status: criteria provided, single submitter. Criteria: CeGaT Center For Human Genetics Tuebingen Variant Classification Criteria Version 2. Collection method: clinical testing. Allele origin: germline. Affected: yes. Observed: 54 variant alleles.
Comment: RPGRIP1L: BP4, BS1, BS2

Labcorp Genetics (formerly Invitae), Labcorp
Classification: Benign for Joubert syndrome; Meckel-Gruber syndrome. Last evaluated: 2026-02-04. Review status: criteria provided, single submitter. Criteria: Invitae Variant Classification Sherloc (09022015). Collection method: clinical testing. Allele origin: germline.

Blueprint Genetics
Classification: Likely benign. Last evaluated: 2024-11-26. Review status: criteria provided, single submitter. Criteria: ACMG Guidelines, 2015. Collection method: clinical testing. Allele origin: germline.

Mayo Clinic Laboratories, Mayo Clinic
Classification: Benign. Last evaluated: 2023-07-06. Review status: criteria provided, single submitter. Criteria: ACMG Guidelines, 2015. Collection method: clinical testing. Allele origin: germline. Observed: 16 variant alleles.
Comment: BS1, BS2

Women's Health and Genetics/Laboratory Corporation of America, LabCorp
Classification: Likely benign. Last evaluated: 2021-12-10. Review status: criteria provided, single submitter. Criteria: LabCorp Variant Classification Summary - May 2015. Collection method: clinical testing. Allele origin: germline.

Illumina Laboratory Services, Illumina
Classification: Likely benign for Meckel syndrome, type 5. Last evaluated: 2017-04-27. Review status: criteria provided, single submitter. Criteria: ICSL Variant Classification Criteria 13 December 2019. Collection method: clinical testing. Allele origin: germline.
Comment: This variant was observed as part of a predisposition screen in an ostensibly healthy population. A literature search was performed for the gene, cDNA change, and amino acid change (where applicable). Publications were found based on this search. The evidence from the literature, in combination with allele frequency data from public databases where available, was sufficient to determine this variant is unlikely to cause disease. Therefore, this variant is classified as likely benign.

Illumina Laboratory Services, Illumina
Classification: Likely benign for Joubert syndrome 7. Last evaluated: 2017-04-27. Review status: criteria provided, single submitter. Criteria: ICSL Variant Classification Criteria 13 December 2019. Collection method: clinical testing. Allele origin: germline.
Comment: the same text as in the submission from Illumina Laboratory Services, Illumina above.

Illumina Laboratory Services, Illumina
Classification: Likely benign for Nephronophthisis 8. Last evaluated: 2017-04-27. Review status: criteria provided, single submitter. Criteria: ICSL Variant Classification Criteria 13 December 2019. Collection method: clinical testing. Allele origin: germline.
Comment: the same text as in the submission from Illumina Laboratory Services, Illumina above.

GeneDx
Classification: Benign. Last evaluated: 2014-04-15. Review status: criteria provided, single submitter. Criteria: GeneDx Variant Classification (06012015). Collection method: clinical testing. Allele origin: germline. Affected: yes.
Comment: This variant is considered likely benign or benign based on one or more of the following criteria: it is a conservative change, it occurs at a poorly conserved position in the protein, it is predicted to be benign by multiple in silico algorithms, and/or has population frequency not consistent with disease.

Genetic Services Laboratory, University of Chicago
Classification: Benign for AllHighlyPenetrant. Last evaluated: 2013-07-22. Review status: criteria provided, single submitter. Criteria: ACMG Guidelines, 2007. Collection method: clinical testing. Allele origin: germline. Inheritance: Autosomal recessive inheritance. Observed: 7 variant alleles.

Eurofins Ntd Llc (ga)
Classification: Benign. Last evaluated: 2013-04-05. Review status: criteria provided, single submitter. Criteria: EGL Classification Definitions 2015. Collection method: clinical testing. Allele origin: germline. Observed: 2 variant alleles, 2 heterozygotes.

Breakthrough Genomics
Classification: Likely benign. Review status: criteria provided, single submitter. Criteria: ACMG Guidelines, 2015. Collection method: not provided. Allele origin: germline. Inheritance: Autosomal recessive inheritance. Affected: yes.

PreventionGenetics, part of Exact Sciences
Classification: Benign. Review status: criteria provided, single submitter. Criteria: ACMG Guidelines, 2015. Collection method: clinical testing. Allele origin: germline.

Natera, Inc.
Classification: Benign for Joubert syndrome. Last evaluated: 2020-09-16. Review status: no assertion criteria provided. Collection method: clinical testing. Allele origin: germline. Not counted in ClinVar's aggregate classification.

Dr. Peter K. Rogan Lab, Western University
No classification provided (evidence only). Condition: Clear cell carcinoma of kidney. Review status: no classification provided. Collection method: in vitro. Allele origin: not applicable. Functional consequence: retained intron. Not counted in ClinVar's aggregate classification.

Dr. Peter K. Rogan Lab, Western University
No classification provided (evidence only). Condition: Lung cancer. Review status: no classification provided. Collection method: in vitro. Allele origin: not applicable. Functional consequence: retained intron. Not counted in ClinVar's aggregate classification.

Dr. Peter K. Rogan Lab, Western University
No classification provided (evidence only). Condition: Melanoma. Review status: no classification provided. Collection method: in vitro. Allele origin: not applicable. Functional consequence: retained intron. Not counted in ClinVar's aggregate classification.

Dr. Peter K. Rogan Lab, Western University
No classification provided (evidence only). Condition: Thyroid cancer, nonmedullary, 1. Review status: no classification provided. Collection method: in vitro. Allele origin: not applicable. Functional consequence: retained intron. Not counted in ClinVar's aggregate classification.

Dr. Peter K. Rogan Lab, Western University
No classification provided (evidence only). Condition: Thymoma. Review status: no classification provided. Collection method: in vitro. Allele origin: not applicable. Functional consequence: retained intron. Not counted in ClinVar's aggregate classification.

Dr. Peter K. Rogan Lab, Western University
No classification provided (evidence only). Condition: Ovarian serous cystadenocarcinoma. Review status: no classification provided. Collection method: in vitro. Allele origin: not applicable. Functional consequence: retained intron. Not counted in ClinVar's aggregate classification.

Dr. Peter K. Rogan Lab, Western University
No classification provided (evidence only). Condition: Ovarian serous cystadenocarcinoma. Review status: no classification provided. Collection method: in vitro. Allele origin: not applicable. Functional consequence: retained intron. Not counted in ClinVar's aggregate classification.

Dr. Peter K. Rogan Lab, Western University
No classification provided (evidence only). Condition: Gastric cancer. Review status: no classification provided. Collection method: in vitro. Allele origin: not applicable. Functional consequence: retained intron. Not counted in ClinVar's aggregate classification.

Dr. Peter K. Rogan Lab, Western University
No classification provided (evidence only). Condition: Gastric cancer. Review status: no classification provided. Collection method: in vitro. Allele origin: not applicable. Functional consequence: retained intron. Not counted in ClinVar's aggregate classification.

Dr. Peter K. Rogan Lab, Western University
No classification provided (evidence only). Condition: Adrenocortical carcinoma, hereditary. Review status: no classification provided. Collection method: in vitro. Allele origin: not applicable. Functional consequence: retained intron. Not counted in ClinVar's aggregate classification.

Dr. Peter K. Rogan Lab, Western University
No classification provided (evidence only). Condition: Malignant tumor of esophagus. Review status: no classification provided. Collection method: in vitro. Allele origin: not applicable. Functional consequence: retained intron. Not counted in ClinVar's aggregate classification.

Dr. Peter K. Rogan Lab, Western University
No classification provided (evidence only). Condition: Malignant tumor of esophagus. Review status: no classification provided. Collection method: in vitro. Allele origin: not applicable. Functional consequence: retained intron. Not counted in ClinVar's aggregate classification.

Genome Diagnostics Laboratory, University Medical Center Utrecht
Classification: Benign. Review status: no assertion criteria provided. Collection method: clinical testing. Allele origin: germline. Affected: yes. Study: VKGL Data-share Consensus. Not counted in ClinVar's aggregate classification.

Laboratory of Diagnostic Genome Analysis, Leiden University Medical Center (LUMC)
Classification: Likely benign. Review status: no assertion criteria provided. Collection method: clinical testing. Allele origin: germline. Affected: yes. Study: VKGL Data-share Consensus. Not counted in ClinVar's aggregate classification.

Literature cited by the submitters: PubMed 19430481 (cited by Mayo Clinic Laboratories, Mayo Clinic and Illumina Laboratory Services, Illumina).